The following is an entry in ClinVar:

NM_014874.4(MFN2):c.808A>C (p.Met270Leu)

Gene: MFN2 (mitofusin 2; plus strand). Cytogenetic location: 1p36.22.
Variant type: single nucleotide variant.
Coding change: c.808A>C on transcript NM_014874.4 (MANE Select); coding-DNA position 808, A replaced by C.
Protein change: p.Met270Leu; replaces methionine 270 with leucine.
Molecular consequence: missense variant.
Genome position (GRCh38, 1-based): chr1:11,999,087, A>C. VCF-style: chr1-11999087-A-C. GRCh37 (hg19) VCF-style: chr1-12059144-A-C.
Other names: c.808A>C, p.Met270Leu (NM_001127660.2); short protein forms M270L.
Identifiers: ClinVar variation 1427278 (VCV001427278.6), dbSNP rs748318825, ClinGen allele CA338439486.
Genomic context (GRCh38, chr1:11,999,087, plus strand): 5'-CGGCCAAACATCTTCATCCTGAACAACCGCTGGGATGCATCTGCCTCAGAGCCCGAGTAC[A>C]TGGAGGAGGTTCGTGCTTCTGTTTGGCAGTTTGGGGAATGCAACCCCGAGGGAGCACTGC-3'
Protein context (NP_055689.1, residues 260-280): WDASASEPEY[Met270Leu]EEVRRQHMER

ClinVar aggregate classification (germline): Uncertain significance (1 of 4 stars; one submission).

Conditions:
Charcot-Marie-Tooth disease type 2. Also called: Charcot-Marie-Tooth type 2. Identifiers: Orphanet 64746, MedGen C0270914, MONDO:0018993.

gnomAD v4.1: 1 of 1,614,140 alleles (0.000062%); highest among the groups gnomAD compares: Non-Finnish European, 0.000085%; no homozygotes.

Submission:

Labcorp Genetics (formerly Invitae), Labcorp
Classification: Uncertain significance for Charcot-Marie-Tooth disease type 2. Last evaluated: 2022-11-22. Review status: criteria provided, single submitter. Criteria: Invitae Variant Classification Sherloc (09022015). Collection method: clinical testing. Allele origin: germline.
Comment: This sequence change replaces methionine, which is neutral and non-polar, with leucine, which is neutral and non-polar, at codon 270 of the MFN2 protein (p.Met270Leu). This variant is present in population databases (no rsID available, gnomAD 0.0009%). This variant has not been reported in the literature in individuals affected with MFN2-related conditions. ClinVar contains an entry for this variant (Variation ID: 1427278). Advanced modeling of protein sequence and biophysical properties (such as structural, functional, and spatial information, amino acid conservation, physicochemical variation, residue mobility, and thermodynamic stability) performed at Invitae indicates that this missense variant is not expected to disrupt MFN2 protein function. In summary, the available evidence is currently insufficient to determine the role of this variant in disease. Therefore, it has been classified as a Variant of Uncertain Significance.